The following is an entry in ClinVar:

NM_194248.3(OTOF):c.1530C>T (p.Ile510=)

Gene: OTOF (otoferlin; minus strand). Cytogenetic location: 2p23.3.
Variant type: single nucleotide variant.
Coding change: c.1530C>T on transcript NM_194248.3 (MANE Select); coding-DNA position 1530, C replaced by T.
Protein change: p.Ile510=; no amino-acid change (isoleucine 510 retained).
Molecular consequence: synonymous variant.
Genome position (GRCh38, 1-based): chr2:26,482,455, G>A on the plus strand (C>T on the coding strand, the complement: OTOF is on the minus strand). VCF-style: chr2-26482455-G-A. GRCh37 (hg19) VCF-style: chr2-26705323-G-A.
Other names: c.1530C>T, p.Ile510= (NM_001287489.2).
Identifiers: ClinVar variation 48173 (VCV000048173.46), dbSNP rs150452778, ClinGen allele CA142748.

ClinVar aggregate classification (germline): Conflicting classifications of pathogenicity. Review status: criteria provided, conflicting classifications (1 of 4 stars). 7 submissions from 7 submitters: Uncertain significance (1); Likely benign (5). 1 of the submissions does not count toward it. Last evaluated 2026-01-26.

Conditions:
OTOF-related disorder. Also called: OTOF-related condition.

Allele frequency attached by ClinVar (database versions not stated): gnomAD exomes 0.00100 and 0.00071; TOPMed 0.00102; ESP Exome Variant Server 0.00038; ExAC 0.00071; 1000 Genomes Project 30x 0.00078; 1000 Genomes Project 0.00080; gnomAD 0.00090 and 0.00093.
gnomAD v4.1: 1,598 of 1,613,320 alleles (0.099%); highest among the groups gnomAD compares: Non-Finnish European, 0.12%; no homozygotes.

Submissions (7):

Labcorp Genetics (formerly Invitae), Labcorp
Classification: Likely benign. Last evaluated: 2026-01-26. Review status: criteria provided, single submitter. Criteria: Invitae Variant Classification Sherloc (09022015). Collection method: clinical testing. Allele origin: germline.

Blueprint Genetics
Classification: Likely benign. Last evaluated: 2024-10-02. Review status: criteria provided, single submitter. Criteria: ACMG Guidelines, 2015. Collection method: clinical testing. Allele origin: germline.

CeGaT Center for Human Genetics Tuebingen
Classification: Likely benign. Last evaluated: 2024-02-01. Review status: criteria provided, single submitter. Criteria: CeGaT Center For Human Genetics Tuebingen Variant Classification Criteria Version 2. Collection method: clinical testing. Allele origin: germline. Affected: yes. Observed: 2 variant alleles.
Comment: OTOF: BP4, BP7

GeneDx
Classification: Likely benign. Last evaluated: 2021-05-08. Review status: criteria provided, single submitter. Criteria: GeneDx Variant Classification Process June 2021. Collection method: clinical testing. Allele origin: germline. Affected: yes.

Laboratory for Molecular Medicine, Mass General Brigham Personalized Medicine
Classification: Likely benign. Last evaluated: 2015-10-02. Review status: criteria provided, single submitter. Criteria: LMM Criteria. Collection method: clinical testing. Allele origin: germline. Observed: 6 variant alleles.
Comment: p.Ile510Ile in exon 14 of OTOF: This variant is not expected to have clinical si gnificance because it does not alter an amino acid residue and is not located wi thin the splice consensus sequence. It has been identified in 0.1% (79/65848) of European chromosomes by the Exome Aggregation Consortium (ExAC; dbSNP rs150452778).

Eurofins Ntd Llc (ga)
Classification: Uncertain significance. Last evaluated: 2015-01-29. Review status: criteria provided, single submitter. Criteria: EGL Classification Definitions 2015. Collection method: clinical testing. Allele origin: germline. Observed: 1 variant allele, 1 heterozygote.

PreventionGenetics, part of Exact Sciences
Classification: Likely benign for OTOF-related condition. Last evaluated: 2019-10-28. Review status: no assertion criteria provided. Collection method: clinical testing. Allele origin: germline. Not counted in ClinVar's aggregate classification.
Comment: This variant is classified as likely benign based on ACMG/AMP sequence variant interpretation guidelines (Richards et al. 2015 PMID: 25741868, with internal and published modifications).